The following is an entry in ClinVar:

ClinVar aggregate classification (germline): Uncertain significance (1 of 4 stars; one submission).

Submission:

Labcorp Genetics (formerly Invitae), Labcorp
Classification: Uncertain significance. Last evaluated: 2022-07-11. Review status: criteria provided, single submitter. Criteria: Invitae Variant Classification Sherloc (09022015). Collection method: clinical testing. Allele origin: germline.
Comment: Algorithms developed to predict the effect of missense changes on protein structure and function are either unavailable or do not agree on the potential impact of this missense change (SIFT: "Tolerated"; PolyPhen-2: "Probably Damaging"; Align-GVGD: "Class C0"). This variant has not been reported in the literature in individuals affected with MYLK3-related conditions. This variant is not present in population databases (gnomAD no frequency). This sequence change replaces glycine, which is neutral and non-polar, with arginine, which is basic and polar, at codon 168 of the MYLK3 protein (p.Gly168Arg). In summary, the available evidence is currently insufficient to determine the role of this variant in disease. Therefore, it has been classified as a Variant of Uncertain Significance.

NM_182493.3(MYLK3):c.502G>A (p.Gly168Arg)

Gene: MYLK3 (myosin light chain kinase 3; minus strand). Cytogenetic location: 16q11.2.
Variant type: single nucleotide variant.
Coding change: c.502G>A on transcript NM_182493.3 (MANE Select); coding-DNA position 502, G replaced by A.
Protein change: p.Gly168Arg; replaces glycine 168 with arginine.
Molecular consequence: missense variant. On other transcripts: 5 prime UTR variant (1).
Genome position (GRCh38, 1-based): chr16:46,740,123, C>T on the plus strand (G>A on the coding strand, the complement: MYLK3 is on the minus strand). VCF-style: chr16-46740123-C-T. GRCh37 (hg19) VCF-style: chr16-46774035-C-T.
Other names: c.-89G>A (NM_001308301.1); short protein forms G168R.
Identifiers: ClinVar variation 2118592 (VCV002118592.4), dbSNP rs2548908792, ClinGen allele CA395796035.